The following is an entry in ClinVar:

ClinVar aggregate classification (germline): Uncertain significance (1 of 4 stars; one submission).

Submission:

GeneDx
Classification: Uncertain significance. Last evaluated: 2025-05-08. Review status: criteria provided, single submitter. Criteria: GeneDx Variant Classification Process June 2021. Collection method: clinical testing. Allele origin: germline. Affected: yes.
Comment: Not observed at significant frequency in large population cohorts (gnomAD); In silico analysis suggests this variant may impact gene splicing. In the absence of RNA/functional studies, the actual effect of this sequence change is unknown.; Has not been previously published as pathogenic or benign to our knowledge

NM_003036.4(SKI):c.1332G>A (p.Glu444=)

Gene: SKI (SKI proto-oncogene; plus strand). Cytogenetic location: 1p36.32.
Variant type: single nucleotide variant.
Coding change: c.1332G>A on transcript NM_003036.4 (MANE Select); coding-DNA position 1332, G replaced by A.
Protein change: p.Glu444=; no amino-acid change (glutamic acid 444 retained).
Molecular consequence: synonymous variant.
Genome position (GRCh38, 1-based): chr1:2,303,960, G>A. VCF-style: chr1-2303960-G-A. GRCh37 (hg19) VCF-style: chr1-2235399-G-A.
Identifiers: ClinVar variation 4528164 (VCV004528164.1).
Genomic context (GRCh38, chr1:2,303,960, plus strand): 5'-GGCCCAGCAGAAGGTTGTGAGCAGCCCTCCGTGTGCCGCCGCCGTCTCCCGGGCCCCCGA[G>A]CCTCTCGCCACTTGCACCCAGCCTCGGAAGCGGAAGCTGACTGTGGACACCCCAGGAGCC-3'
Protein context (NP_003027.1, residues 434-454): PCAAAVSRAP[Glu444=]PLATCTQPRK